The following is an entry in ClinVar:

NM_000548.5(TSC2):c.1859T>C (p.Leu620Pro)

Gene: TSC2 (TSC complex subunit 2; plus strand). Cytogenetic location: 16p13.3.
Variant type: single nucleotide variant.
Coding change: c.1859T>C on transcript NM_000548.5 (MANE Select); coding-DNA position 1859, T replaced by C.
Protein change: p.Leu620Pro; replaces leucine 620 with proline.
Molecular consequence: missense variant.
Genome position (GRCh38, 1-based): chr16:2,071,529, T>C. VCF-style: chr16-2071529-T-C. GRCh37 (hg19) VCF-style: chr16-2121530-T-C.
Other names: c.1748T>C, p.Leu583Pro (NM_001318827.2); c.1712T>C, p.Leu571Pro (NM_001318829.2); c.1259T>C, p.Leu420Pro (NM_001318831.2); c.1859T>C, p.Leu620Pro (NM_001077183.3, NM_001114382.3, NM_001363528.2 and 3 more transcripts); c.1892T>C, p.Leu631Pro (NM_001318832.2); short protein forms L620P, L420P, L583P, L571P, L631P.
Identifiers: ClinVar variation 583168 (VCV000583168.8), dbSNP rs1567461912, ClinGen allele CA394273069.

ClinVar aggregate classification (germline): Uncertain significance (1 of 4 stars; one submission).

Conditions:
Tuberous sclerosis 2 (TSC2). Identifiers: Orphanet 805, MedGen C1860707, MONDO:0013199, OMIM 613254.

Submission:

Labcorp Genetics (formerly Invitae), Labcorp
Classification: Uncertain significance for Tuberous sclerosis 2. Last evaluated: 2018-01-29. Review status: criteria provided, single submitter. Criteria: Invitae Variant Classification Sherloc (09022015). Collection method: clinical testing. Allele origin: germline.
Comment: This sequence change replaces leucine with proline at codon 620 of the TSC2 protein (p.Leu620Pro). The leucine residue is moderately conserved and there is a moderate physicochemical difference between leucine and proline. This variant is not present in population databases (ExAC no frequency). This variant has not been reported in the literature in individuals with TSC2-related disease. In summary, the available evidence is currently insufficient to determine the role of this variant in disease. Therefore, it has been classified as a Variant of Uncertain Significance. Algorithms developed to predict the effect of missense changes on protein structure and function (SIFT, PolyPhen-2, Align-GVGD) all suggest that this variant is likely to be tolerated, but these predictions have not been confirmed by published functional studies and their clinical significance is uncertain.